The following is an entry in ClinVar:

NM_001035.3(RYR2):c.4273A>G (p.Thr1425Ala)

Gene: RYR2 (ryanodine receptor 2; plus strand). Cytogenetic location: 1q43.
Variant type: single nucleotide variant.
Coding change: c.4273A>G on transcript NM_001035.3 (MANE Select); coding-DNA position 4273, A replaced by G.
Protein change: p.Thr1425Ala; replaces threonine 1425 with alanine.
Molecular consequence: missense variant.
Genome position (GRCh38, 1-based): chr1:237,591,851, A>G. VCF-style: chr1-237591851-A-G. GRCh37 (hg19) VCF-style: chr1-237755151-A-G.
Other names: c.4273A>G, p.Thr1425Ala (LRG_402t1); short protein forms T1425A.
Identifiers: ClinVar variation 296724 (VCV000296724.43), dbSNP rs776046135, ClinGen allele CA086572.

ClinVar aggregate classification (germline): Conflicting classifications of pathogenicity. Review status: criteria provided, conflicting classifications (1 of 4 stars). 11 submissions from 10 submitters: Uncertain significance (10); Likely benign (1). Last evaluated 2025-12-20.

Conditions:
Catecholaminergic polymorphic ventricular tachycardia (CVPT). Also called: Catecholamine-induced polymorphic ventricular tachycardia. Identifiers: Orphanet 3286, MedGen C5574922, MONDO:0017990.
Cardiomyopathy (CMYO). Also called: Cardiomyopathies. Identifiers: Orphanet 167848, MedGen C0878544, MONDO:0004994, HP:0001638. Inheritance: Various modes of inheritance.
Catecholaminergic polymorphic ventricular tachycardia 1. Also called: VENTRICULAR TACHYCARDIA, CATECHOLAMINERGIC POLYMORPHIC, 1, WITH OR WITHOUT ATRIAL DYSFUNCTION AND/OR DILATED CARDIOMYOPATHY; RYR2-Related Catecholaminergic Polymorphic Ventricular Tachycardia; VENTRICULAR TACHYCARDIA, STRESS-INDUCED POLYMORPHIC 1. Identifiers: Orphanet 3286, MedGen C1631597, MONDO:0011484, OMIM 604772.
Cardiovascular phenotype. Identifiers: MedGen CN230736.
Arrhythmogenic right ventricular dysplasia 2. Identifiers: MedGen C1832931.

Allele frequency attached by ClinVar (database versions not stated): gnomAD 0.00009 and 0.00008; gnomAD exomes 0.00005 and 0.00007; ExAC 0.00006; TOPMed 0.00006.
gnomAD v4.1: 111 of 1,610,728 alleles (0.0069%); highest among the groups gnomAD compares: Non-Finnish European, 0.0087%; no homozygotes.

Submissions (11):

Labcorp Genetics (formerly Invitae), Labcorp
Classification: Uncertain significance for Catecholaminergic polymorphic ventricular tachycardia 1. Last evaluated: 2025-12-20. Review status: criteria provided, single submitter. Criteria: Invitae Variant Classification Sherloc (09022015). Collection method: clinical testing. Allele origin: germline.
Comment: This sequence change replaces threonine, which is neutral and polar, with alanine, which is neutral and non-polar, at codon 1425 of the RYR2 protein (p.Thr1425Ala). This variant is present in population databases (rs776046135, gnomAD 0.01%). This missense change has been observed in individual(s) with clinical features of RYR2-related conditions (PMID: 26656175, 31568572, 36203036). ClinVar contains an entry for this variant (Variation ID: 296724). An algorithm developed to predict the effect of missense changes on protein structure and function (PolyPhen-2) suggests that this variant is likely to be tolerated. In summary, the available evidence is currently insufficient to determine the role of this variant in disease. Therefore, it has been classified as a Variant of Uncertain Significance.

GeneDx
Classification: Uncertain significance. Last evaluated: 2025-03-19. Review status: criteria provided, single submitter. Criteria: GeneDx Variant Classification Process June 2021. Collection method: clinical testing. Allele origin: germline. Affected: yes.
Comment: Identified in patients with cardiomyopathy who harbored additional cardiogenetic variants (PMID: 26656175, 31568572, 36203036); In silico analysis supports that this missense variant has a deleterious effect on protein structure/function; In silico analysis suggests this variant may impact gene splicing. In the absence of RNA/functional studies, the actual effect of this sequence change is unknown.; Not located in one of the three hot-spot regions of the RYR2 gene, where the majority of pathogenic missense variants occur (PMID: 19926015); This variant is associated with the following publications: (PMID: 26656175, 19926015, 31568572, 36203036)

Ambry Genetics
Classification: Uncertain significance for Cardiovascular phenotype. Last evaluated: 2025-01-23. Review status: criteria provided, single submitter. Criteria: Ambry Variant Classification Scheme 2023. Collection method: clinical testing. Allele origin: germline.
Comment: The p.T1425A variant (also known as c.4273A>G), located in coding exon 32 of the RYR2 gene, results from an A to G substitution at nucleotide position 4273. The threonine at codon 1425 is replaced by alanine, an amino acid with similar properties. This variant was detected in a patient reported to have hypertrophic cardiomyopathy and Cant&ugrave; syndrome who also carried variants in other cardiac-related genes (Bottillo I et al. Gene. 2016;577(2):227-35). This variant was also reported in a pediatric cardiomyopathy cohort (K&uuml;hnisch J et al. Clin Genet, 2019 Dec;96:549-559). This amino acid position is well conserved in available vertebrate species. In addition, this alteration is predicted to be tolerated by in silico analysis. Since supporting evidence is limited at this time, the clinical significance of this alteration remains unclear.

Women's Health and Genetics/Laboratory Corporation of America, LabCorp
Classification: Uncertain significance. Last evaluated: 2024-11-11. Review status: criteria provided, single submitter. Criteria: LabCorp Variant Classification Summary - May 2015. Collection method: clinical testing. Allele origin: germline.
Comment: Variant summary: RYR2 c.4273A>G (p.Thr1425Ala) results in a non-conservative amino acid change located in the B30.2/SPRY domain (IPR001870) of the encoded protein sequence. Three of five in-silico tools predict a benign effect of the variant on protein function. Several computational tools predict a significant impact on normal splicing: Three predict the variant weakens a 5' donor site. One predict the variant no significant impact on splicing. However, these predictions have yet to be confirmed by functional studies. The variant allele was found at a frequency of 4.5e-05 in 244190 control chromosomes. The observed variant frequency is approximately 1.3 fold of the estimated maximal expected allele frequency for a pathogenic variant in RYR2 causing Catecholaminergic Polymorphic Ventricular Tachycardia phenotype (3.4e-05). c.4273A>G has been reported in the literature in individuals affected with Cardiomyopathy (Bottillo_2016, Kuhnisch_2019) and Sudden Unexplained Death (Siskind_2022). All reported individuals carried VUS/likely pathogenic variants in other genes associated with cardiac phenotypes. These report(s) do not provide unequivocal conclusions about association of the variant with Catecholaminergic Polymorphic Ventricular Tachycardia. To our knowledge, no experimental evidence demonstrating an impact on protein function has been reported. The following publications have been ascertained in the context of this evaluation (PMID: 26656175, 31568572, 36203036). ClinVar contains an entry for this variant (Variation ID: 296724). Based on the evidence outlined above, the variant was classified as VUS-possibly benign.

All of Us Research Program, National Institutes of Health
Classification: Uncertain significance for Catecholaminergic polymorphic ventricular tachycardia. Last evaluated: 2024-07-29. Review status: criteria provided, single submitter. Criteria: ACMG Guidelines, 2015. Collection method: clinical testing. Allele origin: germline. Inheritance: Autosomal dominant inheritance. Observed: 46 variant alleles, 46 heterozygotes.
Comment: This variant is located in the RYR2 protein. Computational prediction suggests that this variant may not impact protein structure and function (internally defined REVEL score threshold <= 0.5, PMID: 27666373). To our knowledge, functional studies have not been reported for this variant. This variant has been reported in an individual affected with pediatric primary hypertrophic cardiomyopathy, who also carried a pathogenic variant in the MYBPC3 gene that could explain the observed phenotype (PMID: 31568572). This variant has also been identified in 17/275578 chromosomes in the general population by the Genome Aggregation Database (gnomAD). The available evidence is insufficient to determine the role of this variant in disease conclusively. Therefore, this variant is classified as a Variant of Uncertain Significance.

This study involves interpretation of variants in research participants for the purpose of population health screening. Participant phenotype was not available at the time of variant classification. Additional details can be found in publication PMID: 35346344, PMCID: PMC8962531

Blueprint Genetics
Classification: Likely benign. Last evaluated: 2024-07-25. Review status: criteria provided, single submitter. Criteria: ACMG Guidelines, 2015. Collection method: clinical testing. Allele origin: germline.

Color Diagnostics, LLC DBA Color Health
Classification: Uncertain significance for Cardiomyopathy. Last evaluated: 2024-02-05. Review status: criteria provided, single submitter. Criteria: ACMG Guidelines, 2015. Collection method: clinical testing. Allele origin: germline.
Comment: This variant is located in the RYR2 protein. Computational prediction suggests that this variant may not impact protein structure and function (internally defined REVEL score threshold <= 0.5, PMID: 27666373). To our knowledge, functional studies have not been reported for this variant. This variant has been reported in a child affected with hypertrophic cardiomyopathy, who also carried a pathogenic variant in the MYBPC3 gene that could explain the observed phenotype (PMID: 31568572). This variant has also been identified in 17/275578 chromosomes in the general population by the Genome Aggregation Database (gnomAD). The available evidence is insufficient to determine the role of this variant in disease conclusively. Therefore, this variant is classified as a Variant of Uncertain Significance.

Centre for Mendelian Genomics, University Medical Centre Ljubljana
Classification: Uncertain significance for Catecholaminergic polymorphic ventricular tachycardia 1. Last evaluated: 2019-04-30. Review status: criteria provided, single submitter. Criteria: ACMG Guidelines, 2015. Collection method: clinical testing. Allele origin: unknown. Affected: yes.
Comment: This variant was classified as: Uncertain significance. The available evidence on this variant's pathogenicity is insufficient or conflicting. The following ACMG criteria were applied in classifying this variant: No criteria apply.

Institute of Human Genetics, University of Leipzig Medical Center
Classification: Uncertain significance for Catecholaminergic polymorphic ventricular tachycardia 1. Last evaluated: 2019-01-01. Review status: criteria provided, single submitter. Criteria: ACMG Guidelines, 2015. Collection method: clinical testing. Allele origin: unknown. Affected: yes.

Illumina Laboratory Services, Illumina
Classification: Uncertain significance for Catecholaminergic polymorphic ventricular tachycardia 1. Last evaluated: 2018-01-13. Review status: criteria provided, single submitter. Criteria: ICSL Variant Classification Criteria 13 December 2019. Collection method: clinical testing. Allele origin: germline.

Illumina Laboratory Services, Illumina
Classification: Uncertain significance for Catecholaminergic polymorphic ventricular tachycardia 1. Last evaluated: 2018-01-13. Review status: criteria provided, single submitter. Criteria: ICSL Variant Classification Criteria 13 December 2019. Collection method: clinical testing. Allele origin: germline.

Literature cited by the submitters: PubMed 26656175 (cited by Labcorp Genetics (formerly Invitae), Labcorp and Women's Health and Genetics/Laboratory Corporation of America, LabCorp); PubMed 31568572 (cited by 5 submitters); PubMed 36203036 (cited by Labcorp Genetics (formerly Invitae), Labcorp and Women's Health and Genetics/Laboratory Corporation of America, LabCorp).